The following is an entry in ClinVar:

ClinVar aggregate classification (germline): Uncertain significance. Review status: criteria provided, multiple submitters, no conflicts (2 of 4 stars). 3 submissions from 3 submitters: Uncertain significance (3). Last evaluated 2024-01-30.

Conditions:
Inborn genetic diseases. Identifiers: MedGen C0950123, MeSH D030342.
Familial hemophagocytic lymphohistiocytosis 5. Also called: STXBP2-Related Familial Hemophagocytic Lymphohistiocytosis (STXBP2-fHLH). Identifiers: Orphanet 540, MedGen C2751293, MONDO:0013135, OMIM 613101.

Allele frequency attached by ClinVar (database versions not stated): gnomAD exomes 0.00002; ExAC 0.00003; gnomAD 0.00007 and 0.00008; ESP Exome Variant Server 0.00008; TOPMed 0.00010.
gnomAD v4.1: 26 of 1,580,606 alleles (0.0016%); highest among the groups gnomAD compares: African/African-American, 0.027%; no homozygotes.

Submissions (3):

Ambry Genetics
Classification: Uncertain significance for Inborn genetic diseases. Last evaluated: 2024-01-30. Review status: criteria provided, single submitter. Criteria: Ambry Variant Classification Scheme 2023. Collection method: clinical testing. Allele origin: germline.

Labcorp Genetics (formerly Invitae), Labcorp
Classification: Uncertain significance for Familial hemophagocytic lymphohistiocytosis 5. Last evaluated: 2022-07-06. Review status: criteria provided, single submitter. Criteria: Invitae Variant Classification Sherloc (09022015). Collection method: clinical testing. Allele origin: germline.
Comment: This sequence change replaces glycine, which is neutral and non-polar, with arginine, which is basic and polar, at codon 452 of the STXBP2 protein (p.Gly452Arg). The frequency data for this variant in the population databases is considered unreliable, as metrics indicate poor data quality at this position in the gnomAD database. This variant has not been reported in the literature in individuals affected with STXBP2-related conditions. ClinVar contains an entry for this variant (Variation ID: 595195). Algorithms developed to predict the effect of missense changes on protein structure and function (SIFT, PolyPhen-2, Align-GVGD) all suggest that this variant is likely to be tolerated. Algorithms developed to predict the effect of sequence changes on RNA splicing suggest that this variant may create or strengthen a splice site. In summary, the available evidence is currently insufficient to determine the role of this variant in disease. Therefore, it has been classified as a Variant of Uncertain Significance.

Eurofins Ntd Llc (ga)
Classification: Uncertain significance. Last evaluated: 2017-12-11. Review status: criteria provided, single submitter. Criteria: EGL Classification Definitions 2015. Collection method: clinical testing. Allele origin: germline. Observed: 1 variant allele, 1 heterozygote.

NM_006949.4(STXBP2):c.1354G>A (p.Gly452Arg)

Gene: STXBP2 (syntaxin binding protein 2; plus strand). Cytogenetic location: 19p13.2.
Variant type: single nucleotide variant.
Coding change: c.1354G>A on transcript NM_006949.4 (MANE Select); coding-DNA position 1354, G replaced by A.
Protein change: p.Gly452Arg; replaces glycine 452 with arginine.
Molecular consequence: missense variant. On other transcripts: non-coding transcript variant (1).
Genome position (GRCh38, 1-based): chr19:7,645,304, G>A. VCF-style: chr19-7645304-G-A. GRCh37 (hg19) VCF-style: chr19-7710190-G-A.
Other names: c.1345G>A, p.Gly449Arg (NM_001127396.3); c.1387G>A, p.Gly463Arg (NM_001272034.2); c.1354G>A (NM_006949.2); short protein forms G452R, G449R, G463R.
Identifiers: ClinVar variation 595195 (VCV000595195.14), dbSNP rs148777693, ClinGen allele CA9144094.
Genomic context (GRCh38, chr19:7,645,304, plus strand): 5'-CAGGCGCACAGCAGCCTCATCCGTAACCTGGAGCAGCTGGGAGGCACTGTCACCAACCCC[G>A]GGGTACGCCAGGAGCGGGCATGGGGGGACCCTGGGAGAGGGTGCGGATCACAGCCGGGGC-3'
Protein context (NP_008880.2, residues 442-462): EQLGGTVTNP[Gly452Arg]GSGTSSRLEP